The following is an entry in ClinVar:

ClinVar aggregate classification (germline): Uncertain significance (1 of 4 stars; one submission).

Allele frequency attached by ClinVar (database versions not stated): TOPMed 0.00001.
gnomAD v4.1: 3 of 1,211,187 alleles (0.00025%); highest among the groups gnomAD compares: Admixed American, 0.0022%; no homozygotes.

Submission:

Labcorp Genetics (formerly Invitae), Labcorp
Classification: Uncertain significance. Last evaluated: 2024-05-26. Review status: criteria provided, single submitter. Criteria: Invitae Variant Classification Sherloc (09022015). Collection method: clinical testing. Allele origin: germline.
Comment: This sequence change falls in intron 14 of the DRP2 gene. It does not directly change the encoded amino acid sequence of the DRP2 protein. This variant is not present in population databases (gnomAD no frequency). This variant has not been reported in the literature in individuals affected with DRP2-related conditions. Algorithms developed to predict the effect of sequence changes on RNA splicing suggest that this variant may disrupt the consensus splice site. In summary, the available evidence is currently insufficient to determine the role of this variant in disease. Therefore, it has been classified as a Variant of Uncertain Significance.

NM_001939.3(DRP2):c.1541-14G>A

Gene: DRP2 (dystrophin related protein 2; plus strand). Cytogenetic location: Xq22.1.
Variant type: single nucleotide variant.
Coding change: c.1541-14G>A on transcript NM_001939.3 (MANE Select); 14 bases into the intron before coding-DNA position 1541, G replaced by A.
Molecular consequence: intron variant.
Genome position (GRCh38, 1-based): chrX:101,250,409, G>A. VCF-style: chrX-101250409-G-A. GRCh37 (hg19) VCF-style: chrX-100505398-G-A.
Other names: c.1307-14G>A (NM_001171184.2).
Identifiers: ClinVar variation 2804809 (VCV002804809.3), dbSNP rs1433734086, ClinGen allele CA869310972.